The following is an entry in ClinVar:

NM_000836.4(GRIN2D):c.3887G>A (p.Arg1296Lys)

Gene: GRIN2D (glutamate ionotropic receptor NMDA type subunit 2D; plus strand). Cytogenetic location: 19q13.33.
Variant type: single nucleotide variant.
Coding change: c.3887G>A on transcript NM_000836.4 (MANE Select); coding-DNA position 3887, G replaced by A.
Protein change: p.Arg1296Lys; replaces arginine 1296 with lysine.
Molecular consequence: missense variant.
Genome position (GRCh38, 1-based): chr19:48,443,813, G>A. VCF-style: chr19-48443813-G-A. GRCh37 (hg19) VCF-style: chr19-48947070-G-A.
Other names: c.3887G>A (NM_000836.2); short protein forms R1296K.
Identifiers: ClinVar variation 2708117 (VCV002708117.4), dbSNP rs2513694335, ClinGen allele CA406678802.

ClinVar aggregate classification (germline): Uncertain significance. Review status: criteria provided, multiple submitters, no conflicts (2 of 4 stars). 2 submissions from 2 submitters: Uncertain significance (2). Last evaluated 2024-10-09.

Conditions:
Inborn genetic diseases. Identifiers: MedGen C0950123, MeSH D030342.

Submissions (2):

Ambry Genetics
Classification: Uncertain significance for Inborn genetic diseases. Last evaluated: 2024-10-09. Review status: criteria provided, single submitter. Criteria: Ambry Variant Classification Scheme 2023. Collection method: clinical testing. Allele origin: germline.

Labcorp Genetics (formerly Invitae), Labcorp
Classification: Uncertain significance. Last evaluated: 2024-01-07. Review status: criteria provided, single submitter. Criteria: Invitae Variant Classification Sherloc (09022015). Collection method: clinical testing. Allele origin: germline.
Comment: This sequence change replaces arginine, which is basic and polar, with lysine, which is basic and polar, at codon 1296 of the GRIN2D protein (p.Arg1296Lys). This variant is not present in population databases (gnomAD no frequency). This variant has not been reported in the literature in individuals affected with GRIN2D-related conditions. Advanced modeling of protein sequence and biophysical properties (such as structural, functional, and spatial information, amino acid conservation, physicochemical variation, residue mobility, and thermodynamic stability) performed at Invitae indicates that this missense variant is not expected to disrupt GRIN2D protein function with a negative predictive value of 95%. In summary, the available evidence is currently insufficient to determine the role of this variant in disease. Therefore, it has been classified as a Variant of Uncertain Significance.